The following is an entry in ClinVar:

ClinVar aggregate classification (germline): Uncertain significance. Review status: criteria provided, multiple submitters, no conflicts (2 of 4 stars). 8 submissions from 8 submitters: Uncertain significance (6). 2 of the submissions do not count toward it. Last evaluated 2025-12-01.

Conditions:
Familial cancer of breast. Also called: hereditary breast carcinoma; BREAST CANCER, FAMILIAL; Hereditary breast cancer. Identifiers: Orphanet 227535, MedGen C0346153, MONDO:0016419, OMIM 114480. Disease mechanism: loss of function.
Hereditary cancer-predisposing syndrome. Also called: Tumor predisposition; Hereditary Cancer Syndrome; Hereditary neoplastic syndrome; Neoplastic Syndromes, Hereditary. Identifiers: Orphanet 140162, MedGen C0027672, MeSH D009386, MONDO:0015356.
Ataxia-telangiectasia syndrome (AT). Also called: Ataxia telangiectasia (A-T); LOUIS-BAR SYNDROME; Cerebello-oculocutaneous telangiectasia; Immunodeficiency with ataxia telangiectasia; ATAXIA-TELANGIECTASIA, COMPLEMENTATION GROUP A; ATAXIA-TELANGIECTASIA, FRESNO VARIANT. Identifiers: Orphanet 100, MedGen C0004135, MONDO:0008840, OMIM 208900.

Allele frequency attached by ClinVar (database versions not stated): TOPMed below 0.00001; gnomAD exomes 0.00001.
gnomAD v4.1: 14 of 1,613,794 alleles (0.00087%); highest among the groups gnomAD compares: Non-Finnish European, 0.0012%; no homozygotes.

Submissions (8):

Labcorp Genetics (formerly Invitae), Labcorp
Classification: Uncertain significance for Ataxia-telangiectasia syndrome. Last evaluated: 2025-12-01. Review status: criteria provided, single submitter. Criteria: Invitae Variant Classification Sherloc (09022015). Collection method: clinical testing. Allele origin: germline.
Comment: This sequence change replaces alanine, which is neutral and non-polar, with valine, which is neutral and non-polar, at codon 545 of the ATM protein (p.Ala545Val). This variant is present in population databases (no rsID available, gnomAD 0.002%). This variant has not been reported in the literature in individuals affected with ATM-related conditions. ClinVar contains an entry for this variant (Variation ID: 236675). Invitae Evidence Modeling of protein sequence and biophysical properties (such as structural, functional, and spatial information, amino acid conservation, physicochemical variation, residue mobility, and thermodynamic stability) indicates that this missense variant is not expected to disrupt ATM protein function with a negative predictive value of 95%. In summary, the available evidence is currently insufficient to determine the role of this variant in disease. Therefore, it has been classified as a Variant of Uncertain Significance.

Color Diagnostics, LLC DBA Color Health
Classification: Uncertain significance for Hereditary cancer-predisposing syndrome. Last evaluated: 2025-08-05. Review status: criteria provided, single submitter. Criteria: ACMG Guidelines, 2015. Collection method: clinical testing. Allele origin: germline.
Comment: This missense variant replaces alanine with valine at codon 545 of the ATM protein. Computational predictions are inconclusive on this variant impact on protein structure and function. To our knowledge, functional studies have not been reported for this variant. This variant has been detected in a breast cancer case-control meta-analysis in 1/60466 cases and 1/53461 unaffected individuals (PMID: 33471991Leiden Open Variation Database DB-ID ATM_001655). This variant has been identified in 2/251288 chromosomes in the general population by the Genome Aggregation Database (gnomAD). The available evidence is insufficient to determine the role of this variant in disease conclusively. Therefore, this variant is classified as a Variant of Uncertain Significance.

Ambry Genetics
Classification: Uncertain significance for Hereditary cancer-predisposing syndrome. Last evaluated: 2023-12-01. Review status: criteria provided, single submitter. Criteria: Ambry Variant Classification Scheme 2023. Collection method: clinical testing. Allele origin: germline.
Comment: The p.A545V variant (also known as c.1634C>T), located in coding exon 10 of the ATM gene, results from a C to T substitution at nucleotide position 1634. The alanine at codon 545 is replaced by valine, an amino acid with similar properties. This amino acid position is highly conserved in available vertebrate species. In addition, the in silico prediction for this alteration is inconclusive. Since supporting evidence is limited at this time, the clinical significance of this alteration remains unclear.

Baylor Genetics
Classification: Uncertain significance for Familial cancer of breast. Last evaluated: 2023-05-26. Review status: criteria provided, single submitter. Criteria: ACMG Guidelines, 2015. Collection method: clinical testing. Allele origin: unknown.

Sema4
Classification: Uncertain significance for Hereditary cancer-predisposing syndrome. Last evaluated: 2021-08-27. Review status: criteria provided, single submitter. Criteria: Sema4 Curation Guidelines. Collection method: curation. Allele origin: germline.
Comment: The ATM c.1634C>T (p.A545V) variant has been reported in at least one individual with breast cancer, as well as in a healthy control (PMID: 33471991). It was observed in 2/113608 chromosomes of the Non-Finnish European subpopulation in the large and broad cohorts of the Genome Aggregation Database (PMID: 32461654). The variant has been reported in ClinVar (Variation ID 236675). Functional studies have not been performed and in silico predictions of the variant's effect on protein function are inconclusive. The evidence is insufficient to meet ACMG/AMP criteria for classifying the variant as benign or pathogenic. Thus, the clinical significance of this variant is currently uncertain.

GeneDx
Classification: Uncertain significance. Last evaluated: 2020-06-23. Review status: criteria provided, single submitter. Criteria: GeneDx Variant Classification Process June 2021. Collection method: clinical testing. Allele origin: germline. Affected: yes.
Comment: Not observed at a significant frequency in large population cohorts (Lek et al., 2016); In silico analysis supports that this missense variant does not alter protein structure/function; Has not been previously published as pathogenic or benign to our knowledge

Clinical Genetics DNA and cytogenetics Diagnostics Lab, Erasmus MC, Erasmus Medical Center
Classification: Likely benign. Review status: no assertion criteria provided. Collection method: clinical testing. Allele origin: germline. Affected: yes. Study: VKGL Data-share Consensus. Not counted in ClinVar's aggregate classification.

Joint Genome Diagnostic Labs from Nijmegen and Maastricht, Radboudumc and MUMC+
Classification: Likely benign. Review status: no assertion criteria provided. Collection method: clinical testing. Allele origin: germline. Affected: yes. Study: VKGL Data-share Consensus. Not counted in ClinVar's aggregate classification.

Literature cited by the submitters: PubMed 33471991 (cited by Color Diagnostics, LLC DBA Color Health and Sema4).

NM_000051.4(ATM):c.1634C>T (p.Ala545Val)

Gene: ATM (ATM serine/threonine kinase; plus strand). Cytogenetic location: 11q22.3.
Variant type: single nucleotide variant.
Coding change: c.1634C>T on transcript NM_000051.4 (MANE Select); coding-DNA position 1634, C replaced by T.
Protein change: p.Ala545Val; replaces alanine 545 with valine.
Molecular consequence: missense variant.
Genome position (GRCh38, 1-based): chr11:108,251,863, C>T. VCF-style: chr11-108251863-C-T. GRCh37 (hg19) VCF-style: chr11-108122590-C-T.
Other names: c.1634C>T, p.Ala545Val (NM_001351834.2); short protein forms A545V.
Identifiers: ClinVar variation 236675 (VCV000236675.22), dbSNP rs878853485, ClinGen allele CA10582795.